The following is an entry in ClinVar:

ClinVar aggregate classification (germline): Uncertain significance (1 of 4 stars; one submission).

Conditions:
Desmin-related myofibrillar myopathy (MFM1). Also called: Desmin related myopathy (former name); Desmin storage myopathy (former name); Myofibrillar myopathy 1; Desminopathy; MYOFIBRILLAR MYOPATHY WITH ARRHYTHMOGENIC RIGHT VENTRICULAR CARDIOMYOPATHY; DESMIN-RELATED MYOPATHY WITH ARRHYTHMOGENIC RIGHT VENTRICULAR CARDIOMYOPATHY. Identifiers: Orphanet 363543, Orphanet 98909, MedGen C1832370, MONDO:0011076, OMIM 601419.

Submission:

MGZ Medical Genetics Center
Classification: Uncertain significance for Desmin-related myofibrillar myopathy. Last evaluated: 2022-02-17. Review status: criteria provided, single submitter. Criteria: ACMG Guidelines, 2015. Collection method: clinical testing. Allele origin: germline. Affected: yes. Observed: 1 variant allele.
Comment: ACMG criteria applied: PM2_SUP, PP2, PP3

NM_001927.4(DES):c.1313C>A (p.Ser438Tyr)

Gene: DES (desmin; plus strand). Cytogenetic location: 2q35.
Variant type: single nucleotide variant.
Coding change: c.1313C>A on transcript NM_001927.4 (MANE Select); coding-DNA position 1313, C replaced by A.
Protein change: p.Ser438Tyr; replaces serine 438 with tyrosine.
Molecular consequence: missense variant.
Genome position (GRCh38, 1-based): chr2:219,425,687, C>A. VCF-style: chr2-219425687-C-A. GRCh37 (hg19) VCF-style: chr2-220290409-C-A.
Other names: c.1310C>A, p.Ser437Tyr (NM_001382708.1); c.881C>A, p.Ser294Tyr (NM_001382709.1); c.1244C>A, p.Ser415Tyr (NM_001382710.1); c.1292C>A, p.Ser431Tyr (NM_001382711.1); c.1313C>A, p.Ser438Tyr (NM_001382712.1); c.1043C>A, p.Ser348Tyr (NM_001382713.1); short protein forms S294Y, S348Y, S415Y, S431Y, S437Y, S438Y.
Identifiers: ClinVar variation 1709013 (VCV001709013.2), dbSNP rs1954522287, ClinGen allele CA350698438.